The following is an entry in ClinVar:

ClinVar aggregate classification (germline): Uncertain significance. Review status: criteria provided, single submitter (1 of 4 stars). 2 submissions from 2 submitters: Uncertain significance (1). 1 of the submissions does not count toward it. Last evaluated 2022-03-09.

Conditions:
Retinitis pigmentosa 25 (RP25). Identifiers: Orphanet 791, MedGen C1864446, MONDO:0011272, OMIM 602772.

gnomAD v4.1: 1 of 1,551,024 alleles (0.000064%); highest among the groups gnomAD compares: East Asian, 0.0024%; no homozygotes.

Submissions (2):

Labcorp Genetics (formerly Invitae), Labcorp
Classification: Uncertain significance. Last evaluated: 2022-03-09. Review status: criteria provided, single submitter. Criteria: Invitae Variant Classification Sherloc (09022015). Collection method: clinical testing. Allele origin: germline.
Comment: This sequence change replaces alanine, which is neutral and non-polar, with proline, which is neutral and non-polar, at codon 872 of the EYS protein (p.Ala872Pro). This variant is present in population databases (no rsID available, gnomAD 0.01%). This variant has not been reported in the literature in individuals affected with EYS-related conditions. ClinVar contains an entry for this variant (Variation ID: 1057672). Algorithms developed to predict the effect of missense changes on protein structure and function are either unavailable or do not agree on the potential impact of this missense change (SIFT: "Deleterious"; PolyPhen-2: "Benign"; Align-GVGD: "Class C0"). In summary, the available evidence is currently insufficient to determine the role of this variant in disease. Therefore, it has been classified as a Variant of Uncertain Significance.

Natera, Inc.
Classification: Uncertain significance for Retinitis pigmentosa type 25. Last evaluated: 2020-04-17. Review status: no assertion criteria provided. Collection method: clinical testing. Allele origin: germline. Not counted in ClinVar's aggregate classification.

NM_001142800.2(EYS):c.2614G>C (p.Ala872Pro)

Gene: EYS (eyes shut homolog; minus strand). Cytogenetic location: 6q12.
Variant type: single nucleotide variant.
Coding change: c.2614G>C on transcript NM_001142800.2 (MANE Select); coding-DNA position 2614, G replaced by C.
Protein change: p.Ala872Pro; replaces alanine 872 with proline.
Molecular consequence: missense variant.
Genome position (GRCh38, 1-based): chr6:64,912,511, C>G on the plus strand (G>C on the coding strand, the complement: EYS is on the minus strand). VCF-style: chr6-64912511-C-G. GRCh37 (hg19) VCF-style: chr6-65622404-C-G.
Other names: c.2614G>C, p.Ala872Pro (NM_001292009.2); short protein forms A872P.
Identifiers: ClinVar variation 1057672 (VCV001057672.7), dbSNP rs957725168, ClinGen allele CA364786124.